The following is an entry in ClinVar:

NM_000701.8(ATP1A1):c.323C>T (p.Ala108Val)

Gene: ATP1A1 (ATPase Na+/K+ transporting subunit alpha 1; plus strand). Cytogenetic location: 1p13.1.
Variant type: single nucleotide variant.
Coding change: c.323C>T on transcript NM_000701.8 (MANE Select); coding-DNA position 323, C replaced by T.
Protein change: p.Ala108Val; replaces alanine 108 with valine.
Molecular consequence: missense variant.
Genome position (GRCh38, 1-based): chr1:116,387,427, C>T. VCF-style: chr1-116387427-C-T. GRCh37 (hg19) VCF-style: chr1-116930049-C-T.
Other names: c.323C>T, p.Ala108Val (NM_001160233.2); c.230C>T, p.Ala77Val (NM_001160234.2); short protein forms A108V, A77V.
Identifiers: ClinVar variation 1396905 (VCV001396905.6), dbSNP rs2101042761, ClinGen allele CA341841369.

ClinVar aggregate classification (germline): Uncertain significance (1 of 4 stars; one submission).

Submission:

Labcorp Genetics (formerly Invitae), Labcorp
Classification: Uncertain significance. Last evaluated: 2025-11-17. Review status: criteria provided, single submitter. Criteria: Invitae Variant Classification Sherloc (09022015). Collection method: clinical testing. Allele origin: germline.
Comment: This sequence change replaces alanine, which is neutral and non-polar, with valine, which is neutral and non-polar, at codon 108 of the ATP1A1 protein (p.Ala108Val). This variant is not present in population databases (gnomAD no frequency). This variant has not been reported in the literature in individuals affected with ATP1A1-related conditions. ClinVar contains an entry for this variant (Variation ID: 1396905). Invitae Evidence Modeling of protein sequence and biophysical properties (such as structural, functional, and spatial information, amino acid conservation, physicochemical variation, residue mobility, and thermodynamic stability) has been performed for this missense variant. However, the output from this modeling did not meet the statistical confidence thresholds required to predict the impact of this variant on ATP1A1 protein function. Algorithms developed to predict the effect of sequence changes on RNA splicing suggest that this variant may disrupt the consensus splice site. In summary, the available evidence is currently insufficient to determine the role of this variant in disease. Therefore, it has been classified as a Variant of Uncertain Significance.